The following is an entry in ClinVar:

ClinVar aggregate classification (germline): Uncertain significance (1 of 4 stars; one submission).

Conditions:
Hereditary cancer-predisposing syndrome. Also called: Neoplastic Syndromes, Hereditary; Tumor predisposition; Hereditary Cancer Syndrome; Hereditary neoplastic syndrome. Identifiers: Orphanet 140162, MedGen C0027672, MeSH D009386, MONDO:0015356.

Submission:

Ambry Genetics
Classification: Uncertain significance for Hereditary cancer-predisposing syndrome. Last evaluated: 2021-07-18. Review status: criteria provided, single submitter. Criteria: Ambry Variant Classification Scheme 2023. Collection method: clinical testing. Allele origin: germline.
Comment: The p.S1337R variant (also known as c.4009A>C), located in coding exon 32 of the POLE gene, results from an A to C substitution at nucleotide position 4009. The serine at codon 1337 is replaced by arginine, an amino acid with dissimilar properties. This amino acid position is conserved. In addition, this alteration is predicted to be tolerated by in silico analysis. Since supporting evidence is limited at this time, the clinical significance of this alteration remains unclear.

NM_006231.4(POLE):c.4009A>C (p.Ser1337Arg)

Gene: POLE (DNA polymerase epsilon, catalytic subunit; minus strand). Cytogenetic location: 12q24.33.
Variant type: single nucleotide variant.
Coding change: c.4009A>C on transcript NM_006231.4 (MANE Select); coding-DNA position 4009, A replaced by C.
Protein change: p.Ser1337Arg; replaces serine 1337 with arginine.
Molecular consequence: missense variant.
Genome position (GRCh38, 1-based): chr12:132,649,069, T>G on the plus strand (A>C on the coding strand, the complement: POLE is on the minus strand). VCF-style: chr12-132649069-T-G. GRCh37 (hg19) VCF-style: chr12-133225655-T-G.
Other names: short protein forms S1337R.
Identifiers: ClinVar variation 1736983 (VCV001736983.2), dbSNP rs2138600404, ClinGen allele CA387384041.